The following is an entry in ClinVar:

Conditions:
Arteriohepatic dysplasia. Also called: Alagille Syndrome. Identifiers: Orphanet 52, MedGen C0085280, MeSH D016738, MONDO:0007318.

Submission:

Gilbert/Spinner Lab, Children's Hospital of Philadelphia
No classification provided (evidence only). Condition: Alagille syndrome. Review status: no classification provided. Collection method: research. Allele origin: not applicable. Functional consequence: functionally_abnormal.
ClinVar note: "not provided" was previously submitted as the classification for the variant. However, the classification appeared to be based only on an observation of functional data so it was converted to no classification on 2025-07-30.

NM_000214.3(JAG1):c.918T>G (p.Cys306Trp)

Gene: JAG1 (jagged canonical Notch ligand 1; minus strand). Cytogenetic location: 20p12.2.
Variant type: single nucleotide variant.
Coding change: c.918T>G on transcript NM_000214.3 (MANE Select); coding-DNA position 918, T replaced by G.
Protein change: p.Cys306Trp; replaces cysteine 306 with tryptophan.
Molecular consequence: missense variant.
Genome position (GRCh38, 1-based): chr20:10,652,219, A>C on the plus strand (T>G on the coding strand, the complement: JAG1 is on the minus strand). VCF-style: chr20-10652219-A-C. GRCh37 (hg19) VCF-style: chr20-10632867-A-C.
Other names: short protein forms C306W.
Identifiers: ClinVar variation 3573182 (VCV003573182.2).